The following is an entry in ClinVar:

NM_198253.3(TERT):c.695T>G (p.Leu232Arg)

Gene: TERT (telomerase reverse transcriptase; minus strand). Cytogenetic location: 5p15.33.
Variant type: single nucleotide variant.
Coding change: c.695T>G on transcript NM_198253.3 (MANE Select); coding-DNA position 695, T replaced by G.
Protein change: p.Leu232Arg; replaces leucine 232 with arginine.
Molecular consequence: missense variant. On other transcripts: non-coding transcript variant (2).
Genome position (GRCh38, 1-based): chr5:1,294,191, A>C on the plus strand (T>G on the coding strand, the complement: TERT is on the minus strand). VCF-style: chr5-1294191-A-C. GRCh37 (hg19) VCF-style: chr5-1294306-A-C.
Other names: c.695T>G, p.Leu232Arg (NM_001193376.3, NM_003219.1); short protein forms L232R.
Identifiers: ClinVar variation 2932737 (VCV002932737.4), dbSNP rs1484882555, ClinGen allele CA359057009.

ClinVar aggregate classification (germline): Uncertain significance. Review status: criteria provided, multiple submitters, no conflicts (2 of 4 stars). 2 submissions from 2 submitters: Uncertain significance (2). Last evaluated 2026-02-18.

Conditions:
Dyskeratosis congenita. Identifiers: Orphanet 1775, MedGen C0265965, MONDO:0015780.
Dyskeratosis congenita, autosomal dominant 2. Identifiers: MedGen C3151443, MONDO:0013521, OMIM 613989.
Idiopathic Pulmonary Fibrosis. Also called: Idiopathic fibrosing alveolitis, chronic form; idiopathic fibrosing alveolitis. Identifiers: Orphanet 2032, MedGen C1800706, MeSH D054990, MONDO:0800504.

Allele frequency attached by ClinVar (database versions not stated): gnomAD exomes below 0.00001; TOPMed below 0.00001.
gnomAD v4.1: 3 of 1,582,556 alleles (0.00019%); highest among the groups gnomAD compares: Non-Finnish European, 0.00026%; no homozygotes.

Submissions (2):

Ambry Genetics
Classification: Uncertain significance for Dyskeratosis congenita. Last evaluated: 2026-02-18. Review status: criteria provided, single submitter. Criteria: Ambry Variant Classification Scheme 2023. Collection method: clinical testing. Allele origin: germline.
Comment: The p.L232R variant (also known as c.695T>G), located in coding exon 2 of the TERT gene, results from a T to G substitution at nucleotide position 695. The leucine at codon 232 is replaced by arginine, an amino acid with dissimilar properties. This amino acid position is conserved. In addition, this alteration is predicted to be tolerated by in silico analysis. Based on the available evidence, the clinical significance of this variant remains unclear.

Labcorp Genetics (formerly Invitae), Labcorp
Classification: Uncertain significance for Dyskeratosis congenita, autosomal dominant 2; Idiopathic Pulmonary Fibrosis. Last evaluated: 2023-01-14. Review status: criteria provided, single submitter. Criteria: Invitae Variant Classification Sherloc (09022015). Collection method: clinical testing. Allele origin: germline.
Comment: In summary, the available evidence is currently insufficient to determine the role of this variant in disease. Therefore, it has been classified as a Variant of Uncertain Significance. Algorithms developed to predict the effect of missense changes on protein structure and function (SIFT, PolyPhen-2, Align-GVGD) all suggest that this variant is likely to be tolerated. This variant has not been reported in the literature in individuals affected with TERT-related conditions. This variant is not present in population databases (gnomAD no frequency). This sequence change replaces leucine, which is neutral and non-polar, with arginine, which is basic and polar, at codon 232 of the TERT protein (p.Leu232Arg).